The following is an entry in ClinVar:

ClinVar aggregate classification (germline): Uncertain significance (1 of 4 stars; one submission).

Conditions:
Inborn genetic diseases. Identifiers: MedGen C0950123, MeSH D030342.

Submission:

Ambry Genetics
Classification: Uncertain significance for Inborn genetic diseases. Last evaluated: 2025-09-27. Review status: criteria provided, single submitter. Criteria: Ambry Variant Classification Scheme 2023. Collection method: clinical testing. Allele origin: germline.
Comment: The p.L74P variant (also known as c.221T>C), located in coding exon 3 of the FANCA gene, results from a T to C substitution at nucleotide position 221. The leucine at codon 74 is replaced by proline, an amino acid with similar properties. This amino acid position is conserved. In addition, this alteration is predicted to be tolerated by in silico analysis. Based on the available evidence, the clinical significance of this variant remains unclear.

NM_000135.4(FANCA):c.221T>C (p.Leu74Pro)

Gene: FANCA (FA complementation group A; minus strand). Cytogenetic location: 16q24.3.
Variant type: single nucleotide variant.
Coding change: c.221T>C on transcript NM_000135.4 (MANE Select); coding-DNA position 221, T replaced by C.
Protein change: p.Leu74Pro; replaces leucine 74 with proline.
Molecular consequence: missense variant.
Genome position (GRCh38, 1-based): chr16:89,814,582, A>G on the plus strand (T>C on the coding strand, the complement: FANCA is on the minus strand). VCF-style: chr16-89814582-A-G. GRCh37 (hg19) VCF-style: chr16-89880990-A-G.
Other names: c.221T>C, p.Leu74Pro (NM_001018112.3, NM_001286167.3, NM_001351830.2); short protein forms L74P.
Identifiers: ClinVar variation 4619171 (VCV004619171.1).
Genomic context (GRCh38, chr16:89,814,582, plus strand): 5'-ATAAATGAACTAGAATGATTAGCATAGGCCTCAGAACTGTCACAGTCAATCACTTTGCTG[A>G]GAGACAATTTTTTACACAGTGGACCTTCTACCTAGAATCCAAAACACAACAAACTCCATT-3'
Protein context (NP_000126.2, residues 64-84): VEGPLCKKLS[Leu74Pro]SKVIDCDSSE